The following is an entry in ClinVar:

NM_005159.5(ACTC1):c.*5C>G

Genes: ACTC1 (actin alpha cardiac muscle 1; minus strand), GJD2-DT (GJD2 divergent transcript; plus strand). Cytogenetic location: 15q14.
Variant type: single nucleotide variant.
Coding change: c.*5C>G on transcript NM_005159.5 (MANE Select); 5 bases downstream of the stop codon, C replaced by G.
Molecular consequence: 3 prime UTR variant.
Genome position (GRCh38, 1-based): chr15:34,790,407, G>C on the plus strand (C>G on the coding strand, the complement: ACTC1 is on the minus strand). VCF-style: chr15-34790407-G-C. GRCh37 (hg19) VCF-style: chr15-35082608-G-C.
Other names: c.*5C>G (LRG_388t1).
Identifiers: ClinVar variation 381369 (VCV000381369.8), dbSNP rs756594449, ClinGen allele CA042116.

ClinVar aggregate classification (germline): Conflicting classifications of pathogenicity. Review status: criteria provided, conflicting classifications (1 of 4 stars). 4 submissions from 4 submitters: Uncertain significance (3); Likely benign (1). Last evaluated 2023-11-20.

Conditions:
Cardiomyopathy (CMYO). Also called: Cardiomyopathies. Identifiers: Orphanet 167848, MedGen C0878544, MONDO:0004994, HP:0001638. Inheritance: Various modes of inheritance.
Hypertrophic cardiomyopathy. Also called: HYPERTROPHIC MYOCARDIOPATHY. Identifiers: Orphanet 217569, MedGen C0007194, MeSH D002312, MONDO:0005045, HP:0001639.

Allele frequency attached by ClinVar (database versions not stated): ExAC 0.00002; gnomAD exomes 0.00002.

Submissions (4):

All of Us Research Program, National Institutes of Health
Classification: Uncertain significance for Hypertrophic cardiomyopathy. Last evaluated: 2023-11-20. Review status: criteria provided, single submitter. Criteria: ACMG Guidelines, 2015. Collection method: clinical testing. Allele origin: germline. Inheritance: Autosomal dominant inheritance. Observed: 1 variant allele, 1 heterozygote.
Comment: This variant causes a single nucleotide substitution in the 3' untranslated region of the ACTC1 gene. To our knowledge, functional studies have not been performed for this variant. This variant has not been reported in individuals affected with cardiovascular disorders in the literature. This variant has been identified in 4/251474 chromosomes in the general population by the Genome Aggregation Database (gnomAD). The available evidence is insufficient to determine the role of this variant in disease conclusively. Therefore, this variant is classified as a Variant of Uncertain Significance.

This study involves interpretation of variants in research participants for the purpose of population health screening. Participant phenotype was not available at the time of variant classification. Additional details can be found in publication PMID: 35346344, PMCID: PMC8962531

Color Diagnostics, LLC DBA Color Health
Classification: Uncertain significance for Cardiomyopathy. Last evaluated: 2023-10-25. Review status: criteria provided, single submitter. Criteria: ACMG Guidelines, 2015. Collection method: clinical testing. Allele origin: germline.
Comment: This variant causes a single nucleotide substitution in the 3' untranslated region of the ACTC1 gene. To our knowledge, functional studies have not been performed for this variant. This variant has not been reported in individuals affected with cardiovascular disorders in the literature. This variant has been identified in 4/251474 chromosomes in the general population by the Genome Aggregation Database (gnomAD). The available evidence is insufficient to determine the role of this variant in disease conclusively. Therefore, this variant is classified as a Variant of Uncertain Significance.

CHEO Genetics Diagnostic Laboratory, Children's Hospital of Eastern Ontario
Classification: Uncertain significance for Cardiomyopathy. Last evaluated: 2023-02-15. Review status: criteria provided, single submitter. Criteria: ACMG Guidelines, 2015. Collection method: clinical testing. Allele origin: germline.

GeneDx
Classification: Likely benign. Last evaluated: 2015-11-19. Review status: criteria provided, single submitter. Criteria: GeneDx Variant Classification (06012015). Collection method: clinical testing. Allele origin: germline. Affected: yes.
Comment: This variant is considered likely benign or benign based on one or more of the following criteria: it is a conservative change, it occurs at a poorly conserved position in the protein, it is predicted to be benign by multiple in silico algorithms, and/or has population frequency not consistent with disease.